The following is an entry in ClinVar:

NM_003238.6(TGFB2):c.904C>A (p.Arg302Ser)

Gene: TGFB2 (transforming growth factor beta 2; plus strand). Cytogenetic location: 1q41.
Variant type: single nucleotide variant.
Coding change: c.904C>A on transcript NM_003238.6 (MANE Select); coding-DNA position 904, C replaced by A.
Protein change: p.Arg302Ser; replaces arginine 302 with serine.
Molecular consequence: missense variant. On other transcripts: non-coding transcript variant (2).
Genome position (GRCh38, 1-based): chr1:218,436,119, C>A. VCF-style: chr1-218436119-C-A. GRCh37 (hg19) VCF-style: chr1-218609461-C-A.
Other names: c.988C>A, p.Arg330Ser (NM_001135599.4); short protein forms R302S, R330S.
Identifiers: ClinVar variation 239515 (VCV000239515.14), dbSNP rs869312903, ClinGen allele CA10581764.

ClinVar aggregate classification (germline): Pathogenic/Likely pathogenic. Review status: criteria provided, multiple submitters, no conflicts (2 of 4 stars). 2 submissions from 2 submitters: Pathogenic (1); Likely pathogenic (1). Last evaluated 2025-09-02.

Conditions:
Loeys-Dietz syndrome 4 (LDS4). Also called: ANEURYSM, AORTIC AND CEREBRAL, WITH ARTERIAL TORTUOSITY AND SKELETAL MANIFESTATIONS; TGFB2-Related Loeys-Dietz Syndrome. Identifiers: MedGen C3553762, MONDO:0013897, OMIM 614816.

Submissions (2):

Labcorp Genetics (formerly Invitae), Labcorp
Classification: Pathogenic for Loeys-Dietz syndrome 4. Last evaluated: 2025-09-02. Review status: criteria provided, single submitter. Criteria: Invitae Variant Classification Sherloc (09022015). Collection method: clinical testing. Allele origin: germline.
Comment: This sequence change replaces arginine, which is basic and polar, with serine, which is neutral and polar, at codon 302 of the TGFB2 protein (p.Arg302Ser). This variant is not present in population databases (gnomAD no frequency). This missense change has been observed in individuals with clinical features of TGFB2-related conditions (PMID: 32307099; internal data). This variant is also known as p.Arg330Ser. ClinVar contains an entry for this variant (Variation ID: 239515). Invitae Evidence Modeling of protein sequence and biophysical properties (such as structural, functional, and spatial information, amino acid conservation, physicochemical variation, residue mobility, and thermodynamic stability) indicates that this missense variant is not expected to disrupt TGFB2 protein function with a negative predictive value of 80%. This variant disrupts the p.Arg302 amino acid residue in TGFB2. Other variant(s) that disrupt this residue have been determined to be pathogenic (PMID: 22772368, 25644172). This suggests that this residue is clinically significant, and that variants that disrupt this residue are likely to be disease-causing. For these reasons, this variant has been classified as Pathogenic.

GeneDx
Classification: Likely pathogenic. Last evaluated: 2022-10-18. Review status: criteria provided, single submitter. Criteria: GeneDx Variant Classification Process June 2021. Collection method: clinical testing. Allele origin: germline. Affected: yes.
Comment: Not observed at significant frequency in large population cohorts (gnomAD); In silico analysis supports that this missense variant has a deleterious effect on protein structure/function; This variant is associated with the following publications: (PMID: 29392890, 32307099)

Literature cited by the submitters: PubMed 32307099 (cited by Labcorp Genetics (formerly Invitae), Labcorp); PubMed 22772368 (cited by Labcorp Genetics (formerly Invitae), Labcorp); PubMed 25644172 (cited by Labcorp Genetics (formerly Invitae), Labcorp).